The following is an entry in ClinVar:

ClinVar aggregate classification (germline): Uncertain significance (1 of 4 stars; one submission).

Submission:

GeneDx
Classification: Uncertain significance. Last evaluated: 2024-05-14. Review status: criteria provided, single submitter. Criteria: GeneDx Variant Classification Process June 2021. Collection method: clinical testing. Allele origin: germline. Affected: yes.
Comment: Not observed at significant frequency in large population cohorts (gnomAD); In silico analysis indicates that this missense variant does not alter protein structure/function; Has not been previously published as pathogenic or benign to our knowledge

NM_022455.5(NSD1):c.2670C>G (p.Phe890Leu)

Gene: NSD1 (nuclear receptor binding SET domain protein 1; plus strand). Cytogenetic location: 5q35.3.
Variant type: single nucleotide variant.
Coding change: c.2670C>G on transcript NM_022455.5 (MANE Select); coding-DNA position 2670, C replaced by G.
Protein change: p.Phe890Leu; replaces phenylalanine 890 with leucine.
Molecular consequence: missense variant.
Genome position (GRCh38, 1-based): chr5:177,211,069, C>G. VCF-style: chr5-177211069-C-G. GRCh37 (hg19) VCF-style: chr5-176638070-C-G.
Other names: c.1797C>G, p.Phe599Leu (NM_001365684.2, NM_001409306.1, NM_001409307.1 and 3 more transcripts); c.2670C>G, p.Phe890Leu (NM_001409301.1, NM_001409302.1, NM_001409303.1); c.2250C>G, p.Phe750Leu (NM_001409304.1); c.1917C>G, p.Phe639Leu (NM_001409305.1); short protein forms F599L, F621L, F639L, F750L, F890L.
Identifiers: ClinVar variation 1723048 (VCV001723048.4), dbSNP rs2480457011, ClinGen allele CA362319540.